The following is an entry in ClinVar:

NM_021975.4(RELA):c.401T>C (p.Ile134Thr)

Gene: RELA (RELA proto-oncogene, NF-kB subunit; minus strand). Cytogenetic location: 11q13.1.
Variant type: single nucleotide variant.
Coding change: c.401T>C on transcript NM_021975.4 (MANE Select); coding-DNA position 401, T replaced by C.
Protein change: p.Ile134Thr; replaces isoleucine 134 with threonine.
Molecular consequence: missense variant. On other transcripts: intron variant (1).
Genome position (GRCh38, 1-based): chr11:65,660,150, A>G on the plus strand (T>C on the coding strand, the complement: RELA is on the minus strand). VCF-style: chr11-65660150-A-G. GRCh37 (hg19) VCF-style: chr11-65427621-A-G.
Other names: c.401T>C, p.Ile134Thr (NM_001145138.2, NM_001243984.2, NM_001243985.2 and 2 more transcripts); c.434T>C, p.Ile145Thr (NM_001404657.1); c.374T>C, p.Ile125Thr (NM_001404658.1); c.308T>C, p.Ile103Thr (NM_001404662.1, NM_001404663.1); c.47-353T>C (NM_001404661.1); short protein forms I103T, I125T, I134T, I145T.
Identifiers: ClinVar variation 2756690 (VCV002756690.3), dbSNP rs2496858008, ClinGen allele CA381393466.
Genomic context (GRCh38, chr11:65,660,150, plus strand): 5'-AGGGTGCGGGTGTGGCAGGCAGGTTTGCCCTCACCTTGGAAGGGGTTGTTGTTGGTCTGG[A>G]TGCGCTGACTGATAGCCTGCTCCAGGTCCCGCTTCTTCACACACTGGATTCCCAGGTTCT-3'
Protein context (NP_068810.3, residues 124-144): RDLEQAISQR[Ile134Thr]QTNNNPFQVP

ClinVar aggregate classification (germline): Uncertain significance (1 of 4 stars; one submission).

Submission:

Labcorp Genetics (formerly Invitae), Labcorp
Classification: Uncertain significance. Last evaluated: 2023-08-30. Review status: criteria provided, single submitter. Criteria: Invitae Variant Classification Sherloc (09022015). Collection method: clinical testing. Allele origin: germline.
Comment: This sequence change replaces isoleucine, which is neutral and non-polar, with threonine, which is neutral and polar, at codon 134 of the RELA protein (p.Ile134Thr). This variant is not present in population databases (gnomAD no frequency). This variant has not been reported in the literature in individuals affected with RELA-related conditions. An algorithm developed to predict the effect of missense changes on protein structure and function (PolyPhen-2) suggests that this variant is likely to be disruptive. In summary, the available evidence is currently insufficient to determine the role of this variant in disease. Therefore, it has been classified as a Variant of Uncertain Significance.